The following is an entry in ClinVar:

ClinVar aggregate classification (germline): Likely pathogenic. Review status: criteria provided, multiple submitters, no conflicts (2 of 4 stars). 3 submissions from 3 submitters: Likely pathogenic (3). Last evaluated 2024-11-14.

Conditions:
Hereditary cancer-predisposing syndrome. Also called: Neoplastic Syndromes, Hereditary; Tumor predisposition; Hereditary Cancer Syndrome; Hereditary neoplastic syndrome. Identifiers: Orphanet 140162, MedGen C0027672, MeSH D009386, MONDO:0015356.

Submissions (3):

Ambry Genetics
Classification: Likely pathogenic for Hereditary cancer-predisposing syndrome. Last evaluated: 2024-11-14. Review status: criteria provided, single submitter. Criteria: Ambry Variant Classification Scheme 2023. Collection method: clinical testing. Allele origin: germline.
Comment: The p.Q303* variant (also known as c.907C>T), located in coding exon 6 of the NTHL1 gene, results from a C to T substitution at nucleotide position 907. This changes the amino acid from a glutamine to a stop codon within coding exon 6. This alteration occurs at the 3' terminus of NTHL1, is not expected to trigger nonsense-mediated mRNA decay, and impacts only the last 10 amino acids of the protein. The exact functional impact of these removed amino acids is unknown at this time; however, structural analysis suggests this variant removes one side of the iron-sulfur cluster, which would significantly decrease protein function and stability (Wang L et al. J. Biol. Chem., 2015 Jul;290:17096-105). In one study, this variant was reported in a patient diagnosed with colon adenocarcinoma (Huang KL et al. Cell, 2018 04;173:355-370.e14). Based on the majority of available evidence to date, this variant is likely to be pathogenic.

GeneDx
Classification: Likely pathogenic. Last evaluated: 2024-03-21. Review status: criteria provided, single submitter. Criteria: GeneDx Variant Classification Process June 2021. Collection method: clinical testing. Allele origin: germline. Affected: yes.
Comment: Nonsense variant predicted to result in protein truncation as the last 10 amino acids are lost, although loss-of-function variants have not been reported downstream of this position in the protein; Not observed at significant frequency in large population cohorts (gnomAD); Observed in an individual with colon adenocarcinoma in published literature (PMID: 29625052); This variant is associated with the following publications: (PMID: 9045706, 8990169, 9705289, 29625052, 36451132)

Labcorp Genetics (formerly Invitae), Labcorp
Classification: Likely pathogenic. Last evaluated: 2023-12-02. Review status: criteria provided, single submitter. Criteria: Invitae Variant Classification Sherloc (09022015). Collection method: clinical testing. Allele origin: germline.
Comment: This sequence change creates a premature translational stop signal (p.Gln303*) in the NTHL1 gene. While this is not anticipated to result in nonsense mediated decay, it is expected to disrupt the last 10 amino acid(s) of the NTHL1 protein. This variant is not present in population databases (gnomAD no frequency). This premature translational stop signal has been observed in individual(s) with colon cancer and/or genitourinary cancer (PMID: 29625052, 36451132). ClinVar contains an entry for this variant (Variation ID: 1765701). This variant disrupts part of the 4Fe-4S cluster of the NTHL1 protein, which is important for DNA binding (PMID: 9705289, 8990169, 9045706, 36279116). While functional studies have not been performed to directly test the effect of this variant on NTHL1 protein function, this suggests that disruption of this region of the protein is causative of disease. In summary, the currently available evidence indicates that the variant is pathogenic, but additional data are needed to prove that conclusively. Therefore, this variant has been classified as Likely Pathogenic.

Literature cited by the submitters: PubMed 25995449 (cited by Ambry Genetics); PubMed 29625052 (cited by Ambry Genetics and Labcorp Genetics (formerly Invitae), Labcorp); PubMed 36451132 (cited by Labcorp Genetics (formerly Invitae), Labcorp); PubMed 9705289 (cited by Labcorp Genetics (formerly Invitae), Labcorp); PubMed 8990169 (cited by Labcorp Genetics (formerly Invitae), Labcorp); PubMed 9045706 (cited by Labcorp Genetics (formerly Invitae), Labcorp); PubMed 36279116 (cited by Labcorp Genetics (formerly Invitae), Labcorp).

NM_002528.7(NTHL1):c.883C>T (p.Gln295Ter)

Gene: NTHL1 (nth like DNA glycosylase 1; minus strand). Cytogenetic location: 16p13.3.
Variant type: single nucleotide variant.
Coding change: c.883C>T on transcript NM_002528.7 (MANE Select); coding-DNA position 883, C replaced by T.
Protein change: p.Gln295Ter; replaces glutamine 295 with a stop codon.
Molecular consequence: nonsense.
Genome position (GRCh38, 1-based): chr16:2,039,956, G>A on the plus strand (C>T on the coding strand, the complement: NTHL1 is on the minus strand). VCF-style: chr16-2039956-G-A. GRCh37 (hg19) VCF-style: chr16-2089957-G-A.
Other names: c.712C>T, p.Gln238Ter (NM_001318193.2); c.553C>T, p.Gln185Ter (NM_001318194.2); short protein forms Q185*, Q295*, Q238*.
Identifiers: ClinVar variation 1765701 (VCV001765701.10), dbSNP rs2084236498, ClinGen allele CA394287075.